The following is an entry in ClinVar:

ClinVar aggregate classification (germline): Uncertain significance. Review status: criteria provided, multiple submitters, no conflicts (2 of 4 stars). 11 submissions from 11 submitters: Uncertain significance (9). 2 of the submissions do not count toward it. Last evaluated 2026-05-06.

Conditions:
MYH7-related disorder. Also called: MYH7-related condition; MYH7-related disease; MYH7-related disorders.
Cardiovascular phenotype. Identifiers: MedGen CN230736.
Limb-girdle muscular dystrophy (LGMD). Also called: Muscular Dystrophies, Limb-Girdle. Identifiers: Orphanet 263, MedGen C0686353, MeSH D049288, MONDO:0016971, HP:0006785.
Cardiomyopathy (CMYO). Also called: Cardiomyopathies. Identifiers: Orphanet 167848, MedGen C0878544, MONDO:0004994, HP:0001638. Inheritance: Various modes of inheritance.
Dilated cardiomyopathy 1S (CMD1S). Identifiers: Orphanet 154, Orphanet 54260, MedGen C1834481, MONDO:0013262, OMIM 613426.
Hypertrophic cardiomyopathy. Also called: HYPERTROPHIC MYOCARDIOPATHY. Identifiers: Orphanet 217569, MedGen C0007194, MeSH D002312, MONDO:0005045, HP:0001639.

Allele frequency attached by ClinVar (database versions not stated): TOPMed 0.00002; gnomAD exomes below 0.00001 and 0.00001; ExAC 0.00001; gnomAD 0.00002.
gnomAD v4.1: 9 of 1,614,132 alleles (0.00056%); highest among the groups gnomAD compares: African/African-American, 0.0027%; no homozygotes.

Submissions (11):

PreventionGenetics, part of Exact Sciences
Classification: Uncertain significance for MYH7-related condition. Last evaluated: 2026-05-06. Review status: criteria provided, single submitter. Criteria: ACMG Guidelines, 2015. Collection method: clinical testing. Allele origin: germline.
Comment: The MYH7 c.706G>A variant is predicted to result in the amino acid substitution p.Val236Ile. This variant was reported in dilated cardiomyopathy cohorts (Table S2, Zimmerman et al. 2010. PubMed ID: 20474083; Table S2, Horgan et al. 2025. PubMed ID: 39694818) and a large UK biobank cohort (Table S4, Bourfiss et al. 2022. PubMed ID: 36264615). However, detailed clinical information was not available. This variant is reported in 0.0033% of alleles in individuals of South Asian descent in gnomAD. A different nucleotide substitution affecting the same amino acid (p.Val236Ala) has been reported to be associated with hypertrophic cardiomyopathy (Table S1B, Walsh et al. 2017. PubMed ID: 27532257). At this time, the clinical significance of the c.706G>A (p.Val236Ile) variant is uncertain due to the absence of conclusive functional and genetic evidence.

Labcorp Genetics (formerly Invitae), Labcorp
Classification: Uncertain significance for Hypertrophic cardiomyopathy. Last evaluated: 2025-12-09. Review status: criteria provided, single submitter. Criteria: Invitae Variant Classification Sherloc (09022015). Collection method: clinical testing. Allele origin: germline.
Comment: This sequence change replaces valine, which is neutral and non-polar, with isoleucine, which is neutral and non-polar, at codon 236 of the MYH7 protein (p.Val236Ile). This variant is present in population databases (rs397516261, gnomAD 0.003%). This missense change has been observed in individuals with dilated cardiomyopathy and/or MYH7-related conditions (PMID: 20474083, 36264615; internal data). ClinVar contains an entry for this variant (Variation ID: 43096). An algorithm developed to predict the effect of missense changes on protein structure and function outputs the following: PolyPhen-2: "Benign". The isoleucine amino acid residue is found in multiple mammalian species, which suggests that this missense change does not adversely affect protein function. In summary, the available evidence is currently insufficient to determine the role of this variant in disease. Therefore, it has been classified as a Variant of Uncertain Significance.

Color Diagnostics, LLC DBA Color Health
Classification: Uncertain significance for Cardiomyopathy. Last evaluated: 2025-10-28. Review status: criteria provided, single submitter. Criteria: ACMG Guidelines, 2015. Collection method: clinical testing. Allele origin: germline.
Comment: This missense variant replaces valine with isoleucine at codon 236 of the MYH7 protein. Computational prediction suggests that this variant may not impact protein structure and function. To our knowledge, functional studies have not been reported for this variant. This variant has not been reported in individuals affected with MYH7-related disorders in the literature. This variant has been identified in 9/1614132 chromosomes in the general population by the Genome Aggregation Database (gnomAD). The available evidence is insufficient to determine the role of this variant in disease conclusively. Therefore, this variant is classified as a Variant of Uncertain Significance.

GeneDx
Classification: Uncertain significance. Last evaluated: 2025-05-23. Review status: criteria provided, single submitter. Criteria: GeneDx Variant Classification Process June 2021. Collection method: clinical testing. Allele origin: germline. Affected: yes.
Comment: Reported in association with DCM (PMID: 20474083); Not observed at significant frequency in large population cohorts (gnomAD); In silico analysis suggests that this missense variant does not alter protein structure/function; This variant is associated with the following publications: (PMID: 27532257, 29300372, 36264615, 20474083)

All of Us Research Program, National Institutes of Health
Classification: Uncertain significance for Cardiomyopathy. Last evaluated: 2024-08-06. Review status: criteria provided, single submitter. Criteria: ACMG Guidelines, 2015. Collection method: clinical testing. Allele origin: germline. Inheritance: Autosomal dominant inheritance. Observed: 3 variant alleles, 3 heterozygotes.
Comment: This missense variant replaces valine with isoleucine at codon 236 of the MYH7 protein. Computational prediction suggests that this variant may not impact protein structure and function (internally defined REVEL score threshold <= 0.5, PMID: 27666373). To our knowledge, functional studies have not been reported for this variant. Missense variants in this region have been shown to be significantly overrepresented in individuals with hypertrophic cardiomyopathy (PMID: 27532257). This variant has not been reported in individuals affected with MYH7-related disorders in the literature. This variant has been identified in 2/251494 chromosomes in the general population by the Genome Aggregation Database (gnomAD). The available evidence is insufficient to determine the role of this variant in disease conclusively. Therefore, this variant is classified as a Variant of Uncertain Significance.

This study involves interpretation of variants in research participants for the purpose of population health screening. Participant phenotype was not available at the time of variant classification. Additional details can be found in publication PMID: 35346344, PMCID: PMC8962531

Ambry Genetics
Classification: Uncertain significance for Cardiovascular phenotype. Last evaluated: 2022-04-01. Review status: criteria provided, single submitter. Criteria: Ambry Variant Classification Scheme 2023. Collection method: clinical testing. Allele origin: germline.

Laboratory for Molecular Medicine, Mass General Brigham Personalized Medicine
Classification: Uncertain significance. Last evaluated: 2020-10-05. Review status: criteria provided, single submitter. Criteria: LMM Criteria. Collection method: clinical testing. Allele origin: germline. Observed: 2 variant alleles.
Comment: proposed classification - variant undergoing re-assessment, contact laboratory

Baylor Genetics
Classification: Uncertain significance for Dilated cardiomyopathy 1S. Last evaluated: 2019-10-14. Review status: criteria provided, single submitter. Criteria: ACMG Guidelines, 2015. Collection method: clinical testing. Allele origin: unknown. Affected: yes.
Comment: This variant was determined to be of uncertain significance according to ACMG Guidelines, 2015 [PMID:25741868].

Cambridge Genomics Laboratory, East Genomic Laboratory Hub, NHS Genomic Medicine Service
Classification: Uncertain significance for Limb-girdle muscular dystrophy. Last evaluated: 2019-08-28. Review status: criteria provided, single submitter. Criteria: ACGS Best Practice Guidelines for Variant Classification in Rare Disease 2020. Collection method: clinical testing. Allele origin: germline. Affected: yes. Observed: 1 variant allele.

Diagnostic Laboratory, Department of Genetics, University Medical Center Groningen
Classification: Likely pathogenic. Review status: no assertion criteria provided. Collection method: clinical testing. Allele origin: germline. Affected: yes. Study: VKGL Data-share Consensus. Not counted in ClinVar's aggregate classification.

Genome Diagnostics Laboratory, Amsterdam University Medical Center
Classification: Likely pathogenic. Review status: no assertion criteria provided. Collection method: clinical testing. Allele origin: germline. Affected: yes. Study: VKGL Data-share Consensus. Not counted in ClinVar's aggregate classification.

Literature cited by the submitters: PubMed 20474083 (cited by Labcorp Genetics (formerly Invitae), Labcorp); PubMed 36264615 (cited by Labcorp Genetics (formerly Invitae), Labcorp); PubMed 27532257 (cited by All of Us Research Program, National Institutes of Health).

NM_000257.4(MYH7):c.706G>A (p.Val236Ile)

Gene: MYH7 (myosin heavy chain 7; minus strand). Cytogenetic location: 14q11.2.
Variant type: single nucleotide variant.
Coding change: c.706G>A on transcript NM_000257.4 (MANE Select); coding-DNA position 706, G replaced by A.
Protein change: p.Val236Ile; replaces valine 236 with isoleucine.
Molecular consequence: missense variant.
Genome position (GRCh38, 1-based): chr14:23,431,611, C>T on the plus strand (G>A on the coding strand, the complement: MYH7 is on the minus strand). VCF-style: chr14-23431611-C-T. GRCh37 (hg19) VCF-style: chr14-23900820-C-T.
Other names: short protein forms V236I.
Identifiers: ClinVar variation 43096 (VCV000043096.30), dbSNP rs397516261, ClinGen allele CA016646.